The following is an entry in ClinVar:

ClinVar aggregate classification (germline): Benign/Likely benign. Review status: criteria provided, multiple submitters, no conflicts (2 of 4 stars). 6 submissions from 6 submitters: Benign (1); Likely benign (4). 1 of the submissions does not count toward it. Last evaluated 2025-11-17.

Conditions:
TSC2-related disorder. Also called: TSC2-related condition; TSC2-Related Disorders.
Hereditary cancer-predisposing syndrome. Also called: Neoplastic Syndromes, Hereditary; Tumor predisposition; Hereditary Cancer Syndrome; Hereditary neoplastic syndrome. Identifiers: Orphanet 140162, MedGen C0027672, MeSH D009386, MONDO:0015356.
Tuberous sclerosis syndrome (TSC). Also called: Tuberous Sclerosis Complex; Tuberous sclerosis. Identifiers: Orphanet 805, MedGen C0041341, MONDO:0001734.
Tuberous sclerosis 2 (TSC2). Identifiers: Orphanet 805, MedGen C1860707, MONDO:0013199, OMIM 613254.

Allele frequency attached by ClinVar (database versions not stated): gnomAD exomes below 0.00001; TOPMed below 0.00001; gnomAD 0.00001.
gnomAD v4.1: 2 of 1,612,848 alleles (0.00012%); highest among the groups gnomAD compares: Non-Finnish European, 0.00017%; no homozygotes.

Submissions (6):

Labcorp Genetics (formerly Invitae), Labcorp
Classification: Likely benign for Tuberous sclerosis 2. Last evaluated: 2025-11-17. Review status: criteria provided, single submitter. Criteria: Invitae Variant Classification Sherloc (09022015). Collection method: clinical testing. Allele origin: germline.

Myriad Genetics, Inc.
Classification: Benign for Tuberous sclerosis 2. Last evaluated: 2025-05-29. Review status: criteria provided, single submitter. Criteria: Myriad Autosomal Dominant, Autosomal Recessive and X-Linked Classification Criteria (2023). Collection method: clinical testing. Allele origin: unknown.
Comment: This variant is considered benign. This variant is a silent/synonymous amino acid change and it is not expected to impact splicing.

All of Us Research Program, National Institutes of Health
Classification: Likely benign for Tuberous sclerosis syndrome. Last evaluated: 2023-04-10. Review status: criteria provided, single submitter. Criteria: ACMG Guidelines, 2015. Collection method: clinical testing. Allele origin: germline. Inheritance: Autosomal dominant inheritance. Observed: 1 variant allele, 1 heterozygote.
Comment: This study involves interpretation of variants in research participants for the purpose of population health screening. Participant phenotype was not available at the time of variant classification. Additional details can be found in publication PMID: 35346344, PMCID: PMC8962531

Color Diagnostics, LLC DBA Color Health
Classification: Likely benign for Tuberous sclerosis syndrome. Last evaluated: 2022-10-02. Review status: criteria provided, single submitter. Criteria: ACMG Guidelines, 2015. Collection method: clinical testing. Allele origin: germline.

Ambry Genetics
Classification: Likely benign for Hereditary cancer-predisposing syndrome. Last evaluated: 2021-07-28. Review status: criteria provided, single submitter. Criteria: Ambry Variant Classification Scheme 2023. Collection method: clinical testing. Allele origin: germline.

PreventionGenetics, part of Exact Sciences
Classification: Likely benign for TSC2-related condition. Last evaluated: 2024-05-27. Review status: no assertion criteria provided. Collection method: clinical testing. Allele origin: germline. Not counted in ClinVar's aggregate classification.
Comment: This variant is classified as likely benign based on ACMG/AMP sequence variant interpretation guidelines (Richards et al. 2015 PMID: 25741868, with internal and published modifications).

NM_000548.5(TSC2):c.3528T>C (p.Pro1176=)

Gene: TSC2 (TSC complex subunit 2; plus strand). Cytogenetic location: 16p13.3.
Variant type: single nucleotide variant.
Coding change: c.3528T>C on transcript NM_000548.5 (MANE Select); coding-DNA position 3528, T replaced by C.
Protein change: p.Pro1176=; no amino-acid change (proline 1176 retained).
Molecular consequence: synonymous variant.
Genome position (GRCh38, 1-based): chr16:2,080,295, T>C. VCF-style: chr16-2080295-T-C. GRCh37 (hg19) VCF-style: chr16-2130296-T-C.
Other names: c.3528T>C (NM_000548.4); c.3396T>C, p.Pro1132= (NM_001077183.3, NM_001370404.1); c.3528T>C, p.Pro1176= (NM_001114382.3); c.3288T>C, p.Pro1096= (NM_001318827.2); c.3252T>C, p.Pro1084= (NM_001318829.2); c.2796T>C, p.Pro932= (NM_001318831.2); c.3429T>C, p.Pro1143= (NM_001318832.2); c.3399T>C, p.Pro1133= (NM_001363528.2, NM_001370405.1, NM_021055.3).
Identifiers: ClinVar variation 1125294 (VCV001125294.14), dbSNP rs1157894225, ClinGen allele CA493043028.